The following is an entry in ClinVar:

NM_000455.5(STK11):c.610T>G (p.Phe204Val)

Gene: STK11 (serine/threonine kinase 11; plus strand). Cytogenetic location: 19p13.3.
Variant type: single nucleotide variant.
Coding change: c.610T>G on transcript NM_000455.5 (MANE Select); coding-DNA position 610, T replaced by G.
Protein change: p.Phe204Val; replaces phenylalanine 204 with valine.
Molecular consequence: missense variant.
Genome position (GRCh38, 1-based): chr19:1,220,593, T>G. VCF-style: chr19-1220593-T-G. GRCh37 (hg19) VCF-style: chr19-1220592-T-G.
Other names: c.610T>G, p.Phe204Val (NM_001407255.1); short protein forms F204V.
Identifiers: ClinVar variation 1751681 (VCV001751681.3), dbSNP rs2145425046, ClinGen allele CA402949437.

ClinVar aggregate classification (germline): Uncertain significance. Review status: criteria provided, multiple submitters, no conflicts (2 of 4 stars). 2 submissions from 2 submitters: Uncertain significance (2). Last evaluated 2023-12-01.

Conditions:
Peutz-Jeghers syndrome (PJS). Also called: POLYPOSIS, HAMARTOMATOUS INTESTINAL; POLYPS-AND-SPOTS SYNDROME; Peutz-Jeghers polyposis; Periorificial lentiginosis syndrome. Identifiers: Orphanet 2869, MedGen C0031269, MeSH D010580, MONDO:0008280, OMIM 175200.
Hereditary cancer-predisposing syndrome. Also called: Neoplastic Syndromes, Hereditary; Tumor predisposition; Hereditary neoplastic syndrome; Hereditary Cancer Syndrome. Identifiers: Orphanet 140162, MedGen C0027672, MeSH D009386, MONDO:0015356.

Submissions (2):

All of Us Research Program, National Institutes of Health
Classification: Uncertain significance for Peutz-Jeghers syndrome. Last evaluated: 2023-12-01. Review status: criteria provided, single submitter. Criteria: ACMG Guidelines, 2015. Collection method: clinical testing. Allele origin: germline. Inheritance: Autosomal dominant inheritance. Observed: 1 variant allele, 1 heterozygote.
Comment: This study involves interpretation of variants in research participants for the purpose of population health screening. Participant phenotype was not available at the time of variant classification. Additional details can be found in publication PMID: 35346344, PMCID: PMC8962531

Ambry Genetics
Classification: Uncertain significance for Hereditary cancer-predisposing syndrome. Last evaluated: 2022-09-12. Review status: criteria provided, single submitter. Criteria: Ambry Variant Classification Scheme 2023. Collection method: clinical testing. Allele origin: germline.
Comment: The p.F204V variant (also known as c.610T>G), located in coding exon 5 of the STK11 gene, results from a T to G substitution at nucleotide position 610. The phenylalanine at codon 204 is replaced by valine, an amino acid with highly similar properties. This amino acid position is conserved. In addition, the in silico prediction for this alteration is inconclusive. Since supporting evidence is limited at this time, the clinical significance of this alteration remains unclear.